The following is an entry in ClinVar:

ClinVar aggregate classification (germline): Benign. Review status: criteria provided, multiple submitters, no conflicts (2 of 4 stars). 8 submissions from 8 submitters: Benign (5). 3 of the submissions do not count toward it. Last evaluated 2026-02-04.

Conditions:
Apolipoprotein c-III deficiency. Identifiers: MedGen C3151467, MONDO:0013534, OMIM 614028.
Cardiovascular phenotype. Identifiers: MedGen CN230736.

Allele frequency attached by ClinVar (database versions not stated): 1000 Genomes Project 0.59704; 1000 Genomes Project 30x 0.59853; gnomAD exomes 0.64670; ExAC 0.65420; gnomAD 0.69695 and 0.70739; TOPMed 0.69836; ESP Exome Variant Server 0.74065.
gnomAD v4.1: 1,146,194 of 1,612,544 alleles (71%); highest among the groups gnomAD compares: Non-Finnish European, 75%; 413,561 homozygotes.

Submissions (8):

Labcorp Genetics (formerly Invitae), Labcorp
Classification: Benign. Last evaluated: 2026-02-04. Review status: criteria provided, single submitter. Criteria: Invitae Variant Classification Sherloc (09022015). Collection method: clinical testing. Allele origin: germline.

Blueprint Genetics
Classification: Benign. Last evaluated: 2024-11-27. Review status: criteria provided, single submitter. Criteria: ACMG Guidelines, 2015. Collection method: clinical testing. Allele origin: germline.

Ambry Genetics
Classification: Benign for Cardiovascular phenotype. Last evaluated: 2018-12-11. Review status: criteria provided, single submitter. Criteria: Ambry Variant Classification Scheme 2023. Collection method: clinical testing. Allele origin: germline.

GeneDx
Classification: Benign. Last evaluated: 2018-06-18. Review status: criteria provided, single submitter. Criteria: GeneDx Variant Classification (06012015). Collection method: clinical testing. Allele origin: germline. Affected: yes.
Comment: This variant is considered likely benign or benign based on one or more of the following criteria: it is a conservative change, it occurs at a poorly conserved position in the protein, it is predicted to be benign by multiple in silico algorithms, and/or has population frequency not consistent with disease.

Breakthrough Genomics
Classification: Benign. Review status: criteria provided, single submitter. Criteria: ACMG Guidelines, 2015. Collection method: not provided. Allele origin: germline. Inheritance: Unknown mechanism. Affected: yes.

Clinical Genetics DNA and cytogenetics Diagnostics Lab, Erasmus MC, Erasmus Medical Center
Classification: Benign. Review status: no assertion criteria provided. Collection method: clinical testing. Allele origin: germline. Affected: yes. Study: VKGL Data-share Consensus. Not counted in ClinVar's aggregate classification.

Clinical Genetics, Academic Medical Center
Classification: Benign. Review status: no assertion criteria provided. Collection method: clinical testing. Allele origin: germline. Affected: yes. Study: VKGL Data-share Consensus. Not counted in ClinVar's aggregate classification.

Diagnostic Laboratory, Department of Genetics, University Medical Center Groningen
Classification: Benign for Apolipoprotein c-III deficiency. Review status: no assertion criteria provided. Collection method: clinical testing. Allele origin: germline. Affected: yes. Study: VKGL Data-share Consensus. Not counted in ClinVar's aggregate classification.

NM_000040.3(APOC3):c.102T>C (p.Gly34=)

Gene: APOC3 (apolipoprotein C3; plus strand). Cytogenetic location: 11q23.3.
Variant type: single nucleotide variant.
Coding change: c.102T>C on transcript NM_000040.3 (MANE Select); coding-DNA position 102, T replaced by C.
Protein change: p.Gly34=; no amino-acid change (glycine 34 retained).
Molecular consequence: synonymous variant.
Genome position (GRCh38, 1-based): chr11:116,830,819, T>C. VCF-style: chr11-116830819-T-C. GRCh37 (hg19) VCF-style: chr11-116701535-T-C.
Identifiers: ClinVar variation 518235 (VCV000518235.17), dbSNP rs4520, ClinGen allele CA6289656.